The following is an entry in ClinVar:

ClinVar aggregate classification (germline): Pathogenic (1 of 4 stars; one submission).

Conditions:
Familial thoracic aortic aneurysm and aortic dissection (TAAD). Also called: Thoracic aortic aneurysms and dissections. Identifiers: Orphanet 91387, MedGen C4707243, MONDO:0019625.

Submission:

Ambry Genetics
Classification: Pathogenic for Familial thoracic aortic aneurysm and aortic dissection. Last evaluated: 2019-05-29. Review status: criteria provided, single submitter. Criteria: Ambry Variant Classification Scheme 2023. Collection method: clinical testing. Allele origin: germline.
Comment: The c.923_926delTCAG pathogenic mutation, located in coding exon 8 of the FBN1 gene, results from a deletion of 4 nucleotides at nucleotide positions 923 to 926, causing a translational frameshift with a predicted alternate stop codon (p.V308Afs*21). This variant has been reported in a Marfan syndrome cohort; however, clinical details were limited (Takeda N et al. Circ Genom Precis Med, 2018 06;11:e002058). In addition to the clinical data presented in the literature, this alteration is expected to result in loss of function by premature protein truncation or nonsense-mediated mRNA decay. As such, this alteration is interpreted as a disease-causing mutation.

Literature cited by the submitters: PubMed 29848614.

NM_000138.5(FBN1):c.923_926del (p.Val308fs)

Gene: FBN1 (fibrillin 1; minus strand). Cytogenetic location: 15q21.1.
Variant type: Deletion.
Coding change: c.923_926del on transcript NM_000138.5 (MANE Select); coding-DNA positions 923 to 926, 4 bases deleted (TCAG; older notation c.923_926delTCAG).
Protein change: p.Val308fs; shifts the reading frame from valine 308.
Molecular consequence: frameshift variant.
Genome position (GRCh38, 1-based): chr15:48,526,192-48,526,195, CTGA deleted on the plus strand (TCAG on the coding strand, the reverse complement: FBN1 is on the minus strand); deleting any 4 consecutive bases within chr15:48,526,192-48,526,198 gives the same sequence; the c. name uses the placement nearest the transcript's 3' end. VCF-style (leftmost placement, unchanged base first): chr15-48526191-GCTGA-G. GRCh37 (hg19) VCF-style: chr15-48818388-GCTGA-G.
Other names: c.923_926delTCAG (NM_000138.4); c.920_923delCAGT, p.Val308Alafs (NM_001406716.1); short protein forms V308fs.
Identifiers: ClinVar variation 1766269 (VCV001766269.2), dbSNP rs2505640829, ClinGen allele CA2580089621.